The following is an entry in ClinVar:

ClinVar aggregate classification (germline): Uncertain significance. Review status: criteria provided, multiple submitters, no conflicts (2 of 4 stars). 2 submissions from 2 submitters: Uncertain significance (2). Last evaluated 2024-01-11.

Conditions:
Hereditary cancer-predisposing syndrome. Also called: Hereditary Cancer Syndrome; Tumor predisposition; Hereditary neoplastic syndrome; Neoplastic Syndromes, Hereditary. Identifiers: Orphanet 140162, MedGen C0027672, MeSH D009386, MONDO:0015356.

Submissions (2):

Ambry Genetics
Classification: Uncertain significance for Hereditary cancer-predisposing syndrome. Last evaluated: 2024-01-11. Review status: criteria provided, single submitter. Criteria: Ambry Variant Classification Scheme 2023. Collection method: clinical testing. Allele origin: germline.
Comment: The p.D530E variant (also known as c.1590C>A), located in coding exon 15 of the POLE gene, results from a C to A substitution at nucleotide position 1590. The aspartic acid at codon 530 is replaced by glutamic acid, an amino acid with highly similar properties. This amino acid position is conserved. In addition, this alteration is predicted to be tolerated by in silico analysis. Since supporting evidence is limited at this time, the clinical significance of this alteration remains unclear.

Labcorp Genetics (formerly Invitae), Labcorp
Classification: Uncertain significance. Last evaluated: 2020-03-17. Review status: criteria provided, single submitter. Criteria: Invitae Variant Classification Sherloc (09022015). Collection method: clinical testing. Allele origin: germline.
Comment: This sequence change replaces aspartic acid with glutamic acid at codon 530 of the POLE protein (p.Asp530Glu). The aspartic acid residue is highly conserved and there is a small physicochemical difference between aspartic acid and glutamic acid. This variant is not present in population databases (ExAC no frequency). This variant has not been reported in the literature in individuals with POLE-related conditions. Algorithms developed to predict the effect of missense changes on protein structure and function are either unavailable or do not agree on the potential impact of this missense change (SIFT: "Tolerated"; PolyPhen-2: "Possibly Damaging"; Align-GVGD: "Class C0"). In summary, the available evidence is currently insufficient to determine the role of this variant in disease. Therefore, it has been classified as a Variant of Uncertain Significance.

NM_006231.4(POLE):c.1590C>A (p.Asp530Glu)

Gene: POLE (DNA polymerase epsilon, catalytic subunit; minus strand). Cytogenetic location: 12q24.33.
Variant type: single nucleotide variant.
Coding change: c.1590C>A on transcript NM_006231.4 (MANE Select); coding-DNA position 1590, C replaced by A.
Protein change: p.Asp530Glu; replaces aspartic acid 530 with glutamic acid.
Molecular consequence: missense variant.
Genome position (GRCh38, 1-based): chr12:132,672,723, G>T on the plus strand (C>A on the coding strand, the complement: POLE is on the minus strand). VCF-style: chr12-132672723-G-T. GRCh37 (hg19) VCF-style: chr12-133249309-G-T.
Other names: c.1590C>A (NM_006231.2); short protein forms D530E.
Identifiers: ClinVar variation 1046801 (VCV001046801.9), dbSNP rs1040269464, ClinGen allele CA387356900.